The following is an entry in ClinVar:

NM_000122.2(ERCC3):c.565C>A (p.Leu189Ile)

Gene: ERCC3 (ERCC excision repair 3, TFIIH core complex helicase subunit; minus strand). Cytogenetic location: 2q14.3.
Variant type: single nucleotide variant.
Coding change: c.565C>A on transcript NM_000122.2 (MANE Select); coding-DNA position 565, C replaced by A.
Protein change: p.Leu189Ile; replaces leucine 189 with isoleucine.
Molecular consequence: missense variant.
Genome position (GRCh38, 1-based): chr2:127,289,781, G>T on the plus strand (C>A on the coding strand, the complement: ERCC3 is on the minus strand). VCF-style: chr2-127289781-G-T. GRCh37 (hg19) VCF-style: chr2-128047357-G-T.
Other names: c.373C>A, p.Leu125Ile (NM_001303416.2, NM_001303418.2); short protein forms L189I, L125I.
Identifiers: ClinVar variation 1359115 (VCV001359115.6), dbSNP rs768670201, ClinGen allele CA1858510.
Genomic context (GRCh38, chr2:127,289,781, plus strand): 5'-GCTCAGTGGCCTCCCCTTCAGAGTTTCTTAAGCGGCATTCTCGGATCACGGGGTCCTGGA[G>T]AAGATGCTGGATTACATCAGGGTGGCAACTTTCAACGAAGTATCTGCAAGCAGGGGAGGA-3'
Protein context (NP_000113.1, residues 179-199): SCHPDVIQHL[Leu189Ile]QDPVIRECRL

ClinVar aggregate classification (germline): Uncertain significance (1 of 4 stars; one submission).

Allele frequency attached by ClinVar (database versions not stated): gnomAD 0.00001; gnomAD exomes 0.00001 and 0.00002; ExAC 0.00002; TOPMed 0.00002.
gnomAD v4.1: 8 of 1,614,012 alleles (0.0005%); highest among the groups gnomAD compares: Admixed American, 0.013%; no homozygotes.

Submission:

Labcorp Genetics (formerly Invitae), Labcorp
Classification: Uncertain significance. Last evaluated: 2022-03-16. Review status: criteria provided, single submitter. Criteria: Invitae Variant Classification Sherloc (09022015). Collection method: clinical testing. Allele origin: germline.
Comment: In summary, the available evidence is currently insufficient to determine the role of this variant in disease. Therefore, it has been classified as a Variant of Uncertain Significance. Algorithms developed to predict the effect of sequence changes on RNA splicing suggest that this variant may disrupt the consensus splice site. Algorithms developed to predict the effect of missense changes on protein structure and function are either unavailable or do not agree on the potential impact of this missense change (SIFT: "Deleterious"; PolyPhen-2: "Probably Damaging"; Align-GVGD: "Class C0"). This variant has not been reported in the literature in individuals affected with ERCC3-related conditions. This variant is present in population databases (rs768670201, gnomAD 0.02%). This sequence change replaces leucine, which is neutral and non-polar, with isoleucine, which is neutral and non-polar, at codon 189 of the ERCC3 protein (p.Leu189Ile).